The following is an entry in ClinVar:

NM_000179.3(MSH6):c.260+10T>A

Genes: MSH6 (mutS homolog 6; plus strand), LOC129933707 (ATAC-STARR-seq lymphoblastoid silent region 11468; plus strand). Cytogenetic location: 2p16.3.
Variant type: single nucleotide variant.
Coding change: c.260+10T>A on transcript NM_000179.3 (MANE Select); 10 bases into the intron after coding-DNA position 260, T replaced by A.
Molecular consequence: intron variant.
Genome position (GRCh38, 1-based): chr2:47,783,503, T>A. VCF-style: chr2-47783503-T-A. GRCh37 (hg19) VCF-style: chr2-48010642-T-A.
Other names: c.-477+10T>A (NM_001281493.2); c.237+33T>A (NM_001281492.2).
Identifiers: ClinVar variation 491899 (VCV000491899.12), dbSNP rs193922342, ClinGen allele CA069242.

ClinVar aggregate classification (germline): Likely benign. Review status: criteria provided, multiple submitters, no conflicts (2 of 4 stars). 3 submissions from 3 submitters: Likely benign (3). Last evaluated 2025-09-27.

Conditions:
Lynch syndrome 5 (LYNCH5). Also called: Colorectal cancer, hereditary nonpolyposis, type 5; Hereditary non-polyposis colorectal cancer, type 5. Identifiers: Orphanet 144, MedGen C1833477, MONDO:0013710, OMIM 614350. Disease mechanism: loss of function.
Hereditary cancer-predisposing syndrome. Also called: Hereditary neoplastic syndrome; Tumor predisposition; Hereditary Cancer Syndrome; Neoplastic Syndromes, Hereditary. Identifiers: Orphanet 140162, MedGen C0027672, MeSH D009386, MONDO:0015356.
Hereditary nonpolyposis colorectal neoplasms. Identifiers: MedGen C0009405, MeSH D003123.

Allele frequency attached by ClinVar (database versions not stated): ExAC below 0.00001.
gnomAD v4.1: 8 of 1,335,662 alleles (0.0006%); highest among the groups gnomAD compares: Non-Finnish European, 0.00077%; no homozygotes.

Submissions (3):

Labcorp Genetics (formerly Invitae), Labcorp
Classification: Likely benign for Hereditary nonpolyposis colorectal neoplasms. Last evaluated: 2025-09-27. Review status: criteria provided, single submitter. Criteria: Invitae Variant Classification Sherloc (09022015). Collection method: clinical testing. Allele origin: germline.

Myriad Genetics, Inc.
Classification: Likely benign for Lynch syndrome 5. Last evaluated: 2024-12-17. Review status: criteria provided, single submitter. Criteria: Myriad Autosomal Dominant, Autosomal Recessive and X-Linked Classification Criteria (2023). Collection method: clinical testing. Allele origin: unknown.
Comment: This variant is considered likely benign. This variant is intronic and is not expected to impact mRNA splicing.

Color Diagnostics, LLC DBA Color Health
Classification: Likely benign for Hereditary cancer-predisposing syndrome. Last evaluated: 2017-08-21. Review status: criteria provided, single submitter. Criteria: ACMG Guidelines, 2015. Collection method: clinical testing. Allele origin: germline.